The following is an entry in ClinVar:

NM_003640.5(ELP1):c.2548_2549del (p.Glu850fs)

Gene: ELP1 (elongator acetyltransferase complex subunit 1; minus strand). Cytogenetic location: 9q31.3.
Variant type: Deletion.
Coding change: c.2548_2549del on transcript NM_003640.5 (MANE Select); coding-DNA positions 2548 to 2549, 2 bases deleted (GA; older notation c.2548_2549delGA).
Protein change: p.Glu850fs; shifts the reading frame from glutamic acid 850.
Molecular consequence: frameshift variant.
Genome position (GRCh38, 1-based): chr9:108,896,991-108,896,992, TC deleted on the plus strand (GA on the coding strand, the reverse complement: ELP1 is on the minus strand); deleting any 2 consecutive bases within chr9:108,896,991-108,896,993 gives the same sequence; the c. name uses the placement nearest the transcript's 3' end. VCF-style (leftmost placement, unchanged base first): chr9-108896990-TTC-T. GRCh37 (hg19) VCF-style: chr9-111659270-TTC-T.
Other names: c.2206_2207del, p.Glu736fs (NM_001318360.2); c.1501_1502del, p.Glu501fs (NM_001330749.2); short protein forms E501fs, E736fs, E850fs.
Identifiers: ClinVar variation 4815199 (VCV004815199.1).
Genomic context (GRCh38, chr9:108,896,990, plus strand): 5'-TTTCTCTGTGAGCGGATCTCTACCTTGAAGCTCGTGTACTTTTTGCAGTACAATTTCCAG[TTC>T]TGGGGTTGTCTTCTTTACATGAGATGTAAGTATGGATAGGCAGTATCTGAGGTAATAAGT-3'

ClinVar aggregate classification (germline): Likely pathogenic (1 of 4 stars; one submission).

Conditions:
Familial dysautonomia. Also called: HSAN III; FD. Identifiers: Orphanet 1764, MedGen C0013364, MONDO:0009131, OMIM 223900. Disease mechanism: loss of function.

Submission:

Natera, Inc.
Classification: Likely pathogenic for Familial dysautonomia. Last evaluated: 2024-12-04. Review status: criteria provided, single submitter. Criteria: Natera Variant Classification Schema (03/2026). Collection method: clinical testing. Allele origin: germline.
Comment: The c.2548_2549delGA variant in ELP1 is a frameshift variant predicted to shift the reading frame beginning at codon 850 and leads to a stop codon 18 codons downstream. This variant is expected to result in nonsense mediated decay, truncation, or a dysfunctional protein product. This variant is rare in the general population with a frequency below the threshold expected for the associated phenotype(s). Given the available evidence, this variant is classified as Likely Pathogenic.